The following is an entry in ClinVar:

NM_017950.4(CCDC40):c.592A>G (p.Met198Val)

Gene: CCDC40 (coiled-coil domain 40 molecular ruler complex subunit; plus strand). Cytogenetic location: 17q25.3.
Variant type: single nucleotide variant.
Coding change: c.592A>G on transcript NM_017950.4 (MANE Select); coding-DNA position 592, A replaced by G.
Protein change: p.Met198Val; replaces methionine 198 with valine.
Molecular consequence: missense variant.
Genome position (GRCh38, 1-based): chr17:80,047,318, A>G. VCF-style: chr17-80047318-A-G. GRCh37 (hg19) VCF-style: chr17-78021117-A-G.
Other names: c.592A>G, p.Met198Val (NM_001243342.2, NM_001330508.2); short protein forms M198V.
Identifiers: ClinVar variation 525230 (VCV000525230.6), dbSNP rs774843139, ClinGen allele CA8813497.
Genomic context (GRCh38, chr17:80,047,318, plus strand): 5'-TTTTGGTTGTTCTTGCCATAGACAGGATCCACAGAGGAGCCCCAGGGGCAGGTGCTCCCA[A>G]TGGGCGTCCAGCACCGCTTCCGGCTGAGCCACGGGAGCGACATCGAGTCCTCAGACCTGG-3'
Protein context (NP_060420.2, residues 188-208): TEEPQGQVLP[Met198Val]GVQHRFRLSH

ClinVar aggregate classification (germline): Uncertain significance (1 of 4 stars; one submission).

Conditions:
Primary ciliary dyskinesia. Also called: Ciliary dyskinesia. Identifiers: Orphanet 244, MedGen C0008780, MONDO:0016575, HP:0012265.

Allele frequency attached by ClinVar (database versions not stated): gnomAD 0.00002; gnomAD exomes 0.00002; TOPMed 0.00002; ExAC 0.00003.

Submission:

Labcorp Genetics (formerly Invitae), Labcorp
Classification: Uncertain significance for Primary ciliary dyskinesia. Last evaluated: 2021-08-31. Review status: criteria provided, single submitter. Criteria: Invitae Variant Classification Sherloc (09022015). Collection method: clinical testing. Allele origin: germline.
Comment: This sequence change replaces methionine with valine at codon 198 of the CCDC40 protein (p.Met198Val). The methionine residue is moderately conserved and there is a small physicochemical difference between methionine and valine. This variant is present in population databases (rs774843139, ExAC 0.01%). This variant has not been reported in the literature in individuals affected with CCDC40-related conditions. Algorithms developed to predict the effect of missense changes on protein structure and function output the following: SIFT: "Deleterious"; PolyPhen-2: "Benign"; Align-GVGD: "Class C0". The valine amino acid residue is found in multiple mammalian species, which suggests that this missense change does not adversely affect protein function. In summary, the available evidence is currently insufficient to determine the role of this variant in disease. Therefore, it has been classified as a Variant of Uncertain Significance.